The following is an entry in ClinVar:

ClinVar aggregate classification (germline): Uncertain significance (1 of 4 stars; one submission).

Conditions:
X-linked lymphoproliferative disease due to XIAP deficiency. Also called: XIAP-Related Lymphoproliferative Disease, X-Linked; XIAP DEFICIENCY. Identifiers: Orphanet 2442, Orphanet 538934, MedGen C1845076, MONDO:0010385, OMIM 300635.

Submission:

Labcorp Genetics (formerly Invitae), Labcorp
Classification: Uncertain significance for X-linked lymphoproliferative disease due to XIAP deficiency. Last evaluated: 2018-11-05. Review status: criteria provided, single submitter. Criteria: Invitae Variant Classification Sherloc (09022015). Collection method: clinical testing. Allele origin: germline.
Comment: In summary, the available evidence is currently insufficient to determine the role of this variant in disease. Therefore, it has been classified as a Variant of Uncertain Significance. Algorithms developed to predict the effect of sequence changes on RNA splicing suggest that this variant may disrupt the consensus splice site, but this prediction has not been confirmed by published transcriptional studies. This variant has not been reported in the literature in individuals with XIAP-related disease. This variant is not present in population databases (ExAC no frequency). This sequence change falls in intron 3 of the XIAP gene. It does not directly change the encoded amino acid sequence of the XIAP protein.

NM_001167.4(XIAP):c.978-9A>G

Gene: XIAP (X-linked inhibitor of apoptosis; plus strand). Cytogenetic location: Xq25.
Variant type: single nucleotide variant.
Coding change: c.978-9A>G on transcript NM_001167.4 (MANE Select); 9 bases into the intron before coding-DNA position 978, A replaced by G.
Molecular consequence: intron variant.
Genome position (GRCh38, 1-based): chrX:123,891,229, A>G. VCF-style: chrX-123891229-A-G. GRCh37 (hg19) VCF-style: chrX-123025079-A-G.
Other names: c.978-9A>G (NM_001378592.1, NM_001378591.1, NM_001204401.2 and 1 more transcripts).
Identifiers: ClinVar variation 639642 (VCV000639642.8), dbSNP rs1602549234, ClinGen allele CA915952405.